The following is an entry in ClinVar:

NM_000326.5(RLBP1):c.700C>T (p.Arg234Trp)

Gene: RLBP1 (retinaldehyde binding protein 1; minus strand). Cytogenetic location: 15q26.1.
Variant type: single nucleotide variant.
Coding change: c.700C>T on transcript NM_000326.5 (MANE Select); coding-DNA position 700, C replaced by T.
Protein change: p.Arg234Trp; replaces arginine 234 with tryptophan.
Molecular consequence: missense variant.
Genome position (GRCh38, 1-based): chr15:89,210,794, G>A on the plus strand (C>T on the coding strand, the complement: RLBP1 is on the minus strand). VCF-style: chr15-89210794-G-A. GRCh37 (hg19) VCF-style: chr15-89754025-G-A.
Other names: short protein forms R234W.
Identifiers: ClinVar variation 13100 (VCV000013100.23), dbSNP rs28933990, ClinGen allele CA122839.

ClinVar aggregate classification (germline): Pathogenic/Likely pathogenic. Review status: criteria provided, multiple submitters, no conflicts (2 of 4 stars). 10 submissions from 9 submitters: Pathogenic (6); Likely pathogenic (1). 3 of the submissions do not count toward it. Last evaluated 2026-08-06.

Conditions:
Retinitis punctata albescens. Identifiers: Orphanet 52427, MedGen C1405854, MONDO:0018877.
Retinitis pigmentosa (RP). Identifiers: Orphanet 791, MedGen C0035334, MeSH D012174, MONDO:0019200, OMIM 268000. Inheritance: Autosomal dominant, autosomal recessive and X linked inheritance.
Bothnia retinal dystrophy. Also called: VASTERBOTTEN DYSTROPHY. Identifiers: Orphanet 85128, MedGen C1843816, MONDO:0011838, OMIM 607475.
RLBP1-related disorder. Also called: RLBP1-related disorders; RLBP1-related condition. Identifiers: MedGen CN239413.
Retinal dystrophy. Also called: Inherited retinal dystrophy. Identifiers: Orphanet 71862, MedGen C0854723, MeSH D058499, MONDO:0019118, HP:0000556.

Allele frequency attached by ClinVar (database versions not stated): ExAC 0.00024.
gnomAD v4.1: 95 of 1,589,200 alleles (0.006%); highest among the groups gnomAD compares: Middle Eastern, 0.017%; no homozygotes.

Submissions (10):

Institute of Medical Genetics and Applied Genomics, University Hospital Tübingen
Classification: Pathogenic for Bothnia retinal dystrophy. Last evaluated: 2026-08-06. Review status: criteria provided, single submitter. Criteria: ACMG Guidelines, 2015. Collection method: clinical testing. Allele origin: germline. Inheritance: Autosomal recessive inheritance. Affected: yes.

Labcorp Genetics (formerly Invitae), Labcorp
Classification: Pathogenic. Last evaluated: 2026-01-05. Review status: criteria provided, single submitter. Criteria: Invitae Variant Classification Sherloc (09022015). Collection method: clinical testing. Allele origin: germline.
Comment: This sequence change replaces arginine, which is basic and polar, with tryptophan, which is neutral and slightly polar, at codon 234 of the RLBP1 protein (p.Arg234Trp). This variant is present in population databases (rs28933990, gnomAD 0.02%). This missense change has been observed in individuals with Bothnia retinal dystrophy (PMID: 10102298, 22171637). It is commonly reported in individuals of Swedish ancestry (PMID: 10102298). ClinVar contains an entry for this variant (Variation ID: 13100). Invitae Evidence Modeling of protein sequence and biophysical properties (such as structural, functional, and spatial information, amino acid conservation, physicochemical variation, residue mobility, and thermodynamic stability) indicates that this missense variant is expected to disrupt RLBP1 protein function with a positive predictive value of 95%. Experimental studies have shown that this missense change affects RLBP1 function (PMID: 19846785). For these reasons, this variant has been classified as Pathogenic.

Blueprint Genetics
Classification: Pathogenic for RLBP1-related disorders. Last evaluated: 2024-10-31. Review status: criteria provided, single submitter. Criteria: ACMG Guidelines, 2015. Collection method: clinical testing. Allele origin: germline. Affected: yes. Observed: 5 variant alleles.

Dept Of Ophthalmology, Nagoya University
Classification: Pathogenic for Retinal dystrophy. Last evaluated: 2023-10-01. Review status: criteria provided, single submitter. Criteria: Submitter's publication. Collection method: research. Allele origin: germline. Affected: yes.

Women's Health and Genetics/Laboratory Corporation of America, LabCorp
Classification: Pathogenic for Retinitis pigmentosa. Last evaluated: 2023-08-02. Review status: criteria provided, single submitter. Criteria: LabCorp Variant Classification Summary - May 2015. Collection method: clinical testing. Allele origin: germline.
Comment: Variant summary: RLBP1 c.700C>T (p.Arg234Trp) results in a non-conservative amino acid change to a highly conserved residue (HGMD) located in the CRAL-TRIO lipid binding domain (IPR001251) of the encoded protein sequence. Five of five in-silico tools predict a damaging effect of the variant on protein function. The variant allele was found at a frequency of 8.6e-05 in 209368 control chromosomes (gnomAD). This frequency is not significantly higher than estimated for a pathogenic variant in RLBP1 causing Retinitis Pigmentosa (8.6e-05 vs 0.00063), allowing no conclusion about variant significance. c.700C>T has been reported in the literature in multiple individuals affected with Retinitis Pigmentosa or Bothnia dystrophy with strong evidence of cosegregation with disease (Sharon_2019, Burstedt_1999, Kohn_2008), and some were reported as compound heterozygous with another pathogenic variant. These data indicate that the variant is very likely to be associated with disease. The following publications have been ascertained in the context of this evaluation (PMID: 31456290, 10102298, 18344446). Four submitters have cited clinical-significance assessments for this variant to ClinVar after 2014. All submitters classified the variant as pathogenic/likely pathogenic. Based on the evidence outlined above, the variant was classified as pathogenic.

ARUP Laboratories, Molecular Genetics and Genomics, ARUP Laboratories
Classification: Likely pathogenic. Last evaluated: 2019-09-04. Review status: criteria provided, single submitter. Criteria: ARUP Molecular Germline Variant Investigation Process. Collection method: clinical testing. Allele origin: germline.
Comment: The RLBP1 c.700C>T; p.Arg234Trp (rs28933990) variant is reported in several individuals and families with retinal dystrophy (Burstedt 1999, Granse 2001, Hipp 2015, Morimura 1999, Nakamura 2005). The variant is reported as pathogenic in ClinVar (Variation ID: 13100) and is reported in the general population with an overall allele frequency of 0.009% (18/209,368 alleles) in the Genome Aggregation Database. The arginine at codon 234 is highly conserved and computational algorithms (PolyPhen-2, SIFT) predict this variant is deleterious. Considering available information, this variant is classified as likely pathogenic. References: Burstedt MS et al. Bothnia dystrophy caused by mutations in the cellular retinaldehyde-binding protein gene (RLBP1) on chromosome 15q26. Invest Ophthalmol Vis Sci. 1999 Apr;40(5):995-1000. Granse L et al. Electrophysiological findings in two young patients with Bothnia dystrophy and a mutation in the RLBP1 gene. Ophthalmic Genet. 2001 Jun;22(2):97-105. Hipp S et al. Phenotype variations of retinal dystrophies caused by mutations in the RLBP1 gene. Acta Ophthalmol. 2015 Jun;93(4):e281-6. Morimura H et al. Recessive mutations in the RLBP1 gene encoding cellular retinaldehyde-binding protein in a form of retinitis punctata albescens. Invest Ophthalmol Vis Sci. 1999 Apr;40(5):1000-4. Nakamura M et al. Novel mutation in RLBP1 gene in a Japanese patient with retinitis punctata albescens. Am J Ophthalmol. 2005 Jun;139(6):1133-5.

Illumina Laboratory Services, Illumina
Classification: Pathogenic for RLBP1-Related Disorders. Last evaluated: 2017-04-28. Review status: criteria provided, single submitter. Criteria: ICSL Variant Classification Criteria 09 May 2019. Collection method: clinical testing. Allele origin: germline.
Comment: Across a selection of the available literature, the RLBP1 c.700C>T (p.Arg234Trp) missense variant has been identified in a homozygous state in 89 patients and in a compound heterozygous state in 11 patients with RLBP1-related disorders (Burstedt et al. 1999; Morimura et al. 1999; Nakamura et al. 2005; Golovleva et al. 2010; Hipp et al. 2015). The p.Arg234Trp variant was reported in six out of 588 control chromosomes and is reported at a frequency of 0.00047 in the European (non-Finnish) population of the Exome Aggregation Consortium. The crystal structure of the variant protein bound to its endogenous ligand, 11-cis-retinal, was compared with the crystal structure of the wild type protein similarly bound to 11-cis-retinal (He et al. 2009; He et al. 2012). The structural analysis revealed an altered retinoid binding pocket in the p.Arg234Trp variant protein, which resulted in a 5-fold tighter binding of the variant protein to 11-cis-retinal, and hence impaired release, compared to wild type (Golovleva et al. 2003). Based on the collective evidence, the p.Arg234Trp variant is classified as pathogenic for RLBP1-related disorders. This variant was observed by ICSL as part of a predisposition screen in an ostensibly healthy population.

Sharon lab, Hadassah-Hebrew University Medical Center
Classification: Pathogenic for Retinitis pigmentosa. Last evaluated: 2019-06-23. Review status: no assertion criteria provided. Collection method: research. Allele origin: inherited. Affected: yes. Not counted in ClinVar's aggregate classification.

OMIM
Classification: Pathogenic for BOTHNIA RETINAL DYSTROPHY. Last evaluated: 2001-06-01. Review status: no assertion criteria provided. Collection method: literature only. Allele origin: germline. Not counted in ClinVar's aggregate classification.

OMIM
Classification: Pathogenic for RETINITIS PUNCTATA ALBESCENS. Last evaluated: 2001-06-01. Review status: no assertion criteria provided. Collection method: literature only. Allele origin: germline. Not counted in ClinVar's aggregate classification.

Literature cited by the submitters: PubMed 10102298 (cited by 3 submitters); PubMed 22171637 (cited by Labcorp Genetics (formerly Invitae), Labcorp); PubMed 19846785 (cited by Labcorp Genetics (formerly Invitae), Labcorp and Illumina Laboratory Services, Illumina); PubMed 31456290 (cited by Women's Health and Genetics/Laboratory Corporation of America, LabCorp); PubMed 18344446 (cited by Women's Health and Genetics/Laboratory Corporation of America, LabCorp); PubMed 12536144 (cited by Illumina Laboratory Services, Illumina); PubMed 25429852 (cited by Illumina Laboratory Services, Illumina); PubMed 22183382 (cited by Illumina Laboratory Services, Illumina); PubMed 20238024 (cited by Illumina Laboratory Services, Illumina); PubMed 10102299 (cited by Illumina Laboratory Services, Illumina and OMIM); PubMed 15953459 (cited by Illumina Laboratory Services, Illumina); PubMed 11449319 (cited by OMIM).